The following is an entry in ClinVar:

NM_001942.4(DSG1):c.9G>C (p.Trp3Cys)

Gene: DSG1 (desmoglein 1; plus strand). Cytogenetic location: 18q12.1.
Variant type: single nucleotide variant.
Coding change: c.9G>C on transcript NM_001942.4 (MANE Select); coding-DNA position 9, G replaced by C.
Protein change: p.Trp3Cys; replaces tryptophan 3 with cysteine.
Molecular consequence: missense variant.
Genome position (GRCh38, 1-based): chr18:31,318,309, G>C. VCF-style: chr18-31318309-G-C. GRCh37 (hg19) VCF-style: chr18-28898272-G-C.
Other names: short protein forms W3C.
Identifiers: ClinVar variation 1483882 (VCV001483882.8), dbSNP rs762299574, ClinGen allele CA8925720.

ClinVar aggregate classification (germline): Uncertain significance (1 of 4 stars; one submission).

Allele frequency attached by ClinVar (database versions not stated): TOPMed below 0.00001; ExAC 0.00001; gnomAD exomes 0.00001.
gnomAD v4.1: 8 of 1,613,510 alleles (0.0005%); highest among the groups gnomAD compares: Non-Finnish European, 0.00068%; no homozygotes.

Submission:

Labcorp Genetics (formerly Invitae), Labcorp
Classification: Uncertain significance. Last evaluated: 2024-10-28. Review status: criteria provided, single submitter. Criteria: Invitae Variant Classification Sherloc (09022015). Collection method: clinical testing. Allele origin: germline.
Comment: This sequence change replaces tryptophan, which is neutral and slightly polar, with cysteine, which is neutral and slightly polar, at codon 3 of the DSG1 protein (p.Trp3Cys). This variant is present in population databases (rs762299574, gnomAD 0.002%). This variant has not been reported in the literature in individuals affected with DSG1-related conditions. ClinVar contains an entry for this variant (Variation ID: 1483882). An algorithm developed to predict the effect of missense changes on protein structure and function (PolyPhen-2) suggests that this variant is likely to be disruptive. In summary, the available evidence is currently insufficient to determine the role of this variant in disease. Therefore, it has been classified as a Variant of Uncertain Significance.